The following is an entry in ClinVar:

NM_000540.3(RYR1):c.6617C>T (p.Thr2206Met)

Gene: RYR1 (ryanodine receptor 1; plus strand). Cytogenetic location: 19q13.2.
Variant type: single nucleotide variant.
Coding change: c.6617C>T on transcript NM_000540.3 (MANE Select); coding-DNA position 6617, C replaced by T.
Protein change: p.Thr2206Met; replaces threonine 2206 with methionine.
Molecular consequence: missense variant.
Genome position (GRCh38, 1-based): chr19:38,496,283, C>T. VCF-style: chr19-38496283-C-T. GRCh37 (hg19) VCF-style: chr19-38986923-C-T.
Other names: NM_000540.3(RYR1):c.6617C>T; c.6617C>T, p.Thr2206Met (NM_001042723.2); short protein forms T2206M.
Identifiers: ClinVar variation 12977 (VCV000012977.96), dbSNP rs118192177, ClinGen allele CA024622.

ClinVar aggregate classification (germline): Pathogenic. Review status: reviewed by expert panel (3 of 4 stars). 31 submissions from 29 submitters: Pathogenic (1). 30 of the submissions do not count toward it. Last evaluated 2022-03-14.

Conditions:
Malignant hyperthermia, susceptibility to. Also called: Malignant hyperthermia susceptibility. Identifiers: MedGen C5437603, MONDO:0800188.
Central core myopathy (CMYO1A). Also called: CONGENITAL MYOPATHY 1A, AUTOSOMAL DOMINANT, WITH SUSCEPTIBILITY TO MALIGNANT HYPERTHERMIA; Central core disease; Myopathy, central fibrillar. Identifiers: Orphanet 597, MedGen C5830701, MONDO:0007294, OMIM 117000.
King Denborough syndrome (KDS). Identifiers: MedGen C1840365, MONDO:0020485, OMIM 619542.
Congenital multicore myopathy with external ophthalmoplegia (CMYO1B). Also called: Minicore myopathy with external ophthalmoplegia; Congenital myopathy 1B, autosomal recessive; Minicore myopathy; MULTICORE MYOPATHY; MULTIMINICORE DISEASE WITH EXTERNAL OPHTHALMOPLEGIA. Identifiers: Orphanet 598, Orphanet 98905, MedGen C1850674, MONDO:0009712, OMIM 255320, HP:0003789.
Malignant hyperthermia, susceptibility to, 1 (MHS1). Also called: RYR1-Related Malignant Hyperthermia Susceptibility; Malignant hyperthermia suceptibility 1; Anesthesia related hyperthermia; Malignant hyperpyrexia; Fulminating hyperpyrexia; Pharmacogenic myopathy. Identifiers: Orphanet 423, MedGen C2930980, MONDO:0007783, OMIM 145600.
Inborn genetic diseases. Identifiers: MedGen C0950123, MeSH D030342.
RYR1-related disorder. Also called: RYR1-related disorders; RYR1-related condition. Identifiers: MedGen CN239331.
Malignant hyperthermia of anesthesia. Also called: Anesthesic-triggered malignant hyperthermia. Identifiers: Orphanet 423, MedGen C0024591, MONDO:0018493, HP:0034733.
Absence of the sacrum. Also called: Agenesis of sacrum; Sacral agenesis. Identifiers: MedGen C0344490, HP:0010305.
Ptosis. Also called: Ptosis (disease). Identifiers: MedGen C0005745, MONDO:0000728, HP:0000508.
History of neonatal hypotonia.

Allele frequency attached by ClinVar (database versions not stated): gnomAD exomes 0.00002; ExAC 0.00003; gnomAD 0.00004; TOPMed 0.00003.
gnomAD v4.1: 36 of 1,613,882 alleles (0.0022%); highest among the groups gnomAD compares: African/African-American, 0.004%; no homozygotes.

Submissions 1 to 5 of 31:

ClinGen Malignant Hyperthermia Susceptibility Variant Curation Expert Panel, ClinGen
Classification: Pathogenic for Malignant hyperthermia, susceptibility to, 1. Last evaluated: 2022-03-14. Review status: reviewed by expert panel. Criteria: RYR1-MHS Interpretation Guidelines V2. Collection method: curation. Allele origin: germline. Inheritance: Autosomal dominant inheritance.
Comment: This pathogenicity assessment is relevant only for malignant hyperthermia susceptibility (MHS) inherited in an autosomal dominant pattern. Variants in RYR1 can also cause other myopathies inherited in an autosomal dominant pattern or in an autosomal recessive pattern. Some of these disorders may predispose individuals to malignant hyperthermia. RYR1 variants may also contribute to a malignant hyperthermia reaction in combination with other genetic and non-genetic factors and the clinician needs to consider such factors in making management decisions. This sequence variant predicts a substitution of threonine with methionine at codon 2206 of the RYR1 protein, p.(Thr2206Met). The maximum allele frequency for this variant among the six major gnomAD populations is EAS: 0.00005, a frequency consistent with pathogenicity for MHS. This variant has been reported in 67 unrelated individuals who have a personal or family history of a malignant hyperthermia reaction, 63 of these individuals had a positive in vitro contracture test (IVCT) or caffeine halothane contracture test (CHCT) result (if the proband was unavailable for testing, a positive diagnostic test result in a mutation-positive relative was counted), PS4 (PMID: 30236257, 12059893, 24433488, 23558838, 10484775, 25735680, 25960145, 16163667, 11575529, 12220451, 12434264, 15731587, 17081152, 18505122, 22696611, 9497245, 25268394, 31559918). This variant has been identified in at least three individuals with negative IVCT/CHCT results, BS2 (PMID: 30236257). Functional studies in HEK293 cells show an increased sensitivity to RYR1 agonists PS3_Moderate (PMID: 27586648). An ex vivo assay in patient derived myotubes from two related individuals showed an increased sensitivity to RYR1 agonists (PMID: 12220451). This variant resides in a region of RYR1 considered to be a hotspot for pathogenic variants that contribute to MHS, use PM1_Supporting to avoid overweighting with PM5 (PMID: 21118704). Another variant that has been assessed as pathogenic occurs at this codon, p.(Thr2206Arg), PM5. This variant segregates with MHS in nine individuals, PP1_Strong (PMID: 12059893, 25960145). A REVEL score >0.85 (0.95) supports a pathogenic status for this variant, PP3_Moderate. Based on using Bayes to combine criteria this variant is assessed as Pathogenic, (PMID: 29300386). Criteria implemented: PS4, PS3_Moderate, PM1_Supporting, PM5, PP1_Strong, PP3_Moderate, BS2.

PreventionGenetics, part of Exact Sciences
Classification: Pathogenic for RYR1-related condition. Last evaluated: 2026-04-27. Review status: criteria provided, single submitter. Criteria: ACMG Guidelines, 2015. Collection method: clinical testing. Allele origin: germline. Not counted in ClinVar's aggregate classification.
Comment: The RYR1 c.6617C>T variant is predicted to result in the amino acid substitution p.Thr2206Met. This variant has been conclusively documented to cause malignant hyperthermia (MH, Manning et al. 1998. PubMed ID: 9497245; Robinson et al. 2002. PubMed ID: 12124989; Carpenter et al. 2009. PubMed ID: 19648156). The variant occurs much more frequently in cases than controls (p << 10-10) (Robinson et al. 2006. PubMed ID: 16917943). This variant has been reported to segregate with MH susceptibility in a large family (Manning et al. 1998. PubMed ID: 9497245). This variant has also been reported in the homozygous state in two individuals with skeletal dysplasia and neonatal hypotonia (Gorukmez et al. 2023. PubMed ID: 36964972, Sup Table 2). Functional studies in transfected cells indicate this variant results in dysregulated Ca2+ levels (Murayama et al. 2016. PubMed ID: 27586648). An alternate missense change affecting the same amino acid (p.Thr2206Arg) has also been reported to segregate with MH susceptibility in a large family (Brandt et al. 1999. PubMed ID: 10484775). This variant has been classified in Europe as pathogenic for MH and is interpreted as pathogenic by the ClinGen MH susceptibility VCEP in ClinVar (ClinVar ID: 12977). This variant is reported in 0.0050% of alleles in individuals of East Asian descent in gnomAD. In summary, this variant is interpreted as pathogenic for autosomal dominant malignant hyperthermia.

CeGaT Center for Human Genetics Tuebingen
Classification: Pathogenic. Last evaluated: 2026-01-01. Review status: criteria provided, single submitter. Criteria: CeGaT Center For Human Genetics Tuebingen Variant Classification Criteria Version 2. Collection method: clinical testing. Allele origin: germline. Affected: yes. Observed: 7 variant alleles. Not counted in ClinVar's aggregate classification.
Comment: RYR1: PP1:Strong, PS4, PM5, PP3, PS3:Supporting

Institute of Human Genetics, University of Leipzig Medical Center
Classification: Pathogenic for Malignant hyperthermia, susceptibility to, 1. Last evaluated: 2025-12-17. Review status: criteria provided, single submitter. Criteria: ACMG Guidelines, 2015. Collection method: clinical testing. Allele origin: unknown. Inheritance: Autosomal dominant inheritance. Affected: yes. Not counted in ClinVar's aggregate classification.
Comment: Criteria applied: PS4,PP1_STR,PS3_MOD,PM1_SUP,PM5,PP3_MOD,BS2

Labcorp Genetics (formerly Invitae), Labcorp
Classification: Pathogenic for RYR1-related disorder. Last evaluated: 2025-12-15. Review status: criteria provided, single submitter. Criteria: Invitae Variant Classification Sherloc (09022015). Collection method: clinical testing. Allele origin: germline. Not counted in ClinVar's aggregate classification.
Comment: This sequence change replaces threonine, which is neutral and polar, with methionine, which is neutral and non-polar, at codon 2206 of the RYR1 protein (p.Thr2206Met). This variant is present in population databases (rs118192177, gnomAD 0.003%). This missense change has been observed in individual(s) with malignant hyperthermia susceptibility and/or RYR1-related myopathy (PMID: 9497245, 12220451, 16835904, 19648156, 19919814, 23558838, 23919265, 24433488, 25960145; internal data). In at least one individual the data is consistent with being in trans (on the opposite chromosome) from a pathogenic variant. It has also been observed to segregate with disease in related individuals. ClinVar contains an entry for this variant (Variation ID: 12977). Invitae Evidence Modeling of protein sequence and biophysical properties (such as structural, functional, and spatial information, amino acid conservation, physicochemical variation, residue mobility, and thermodynamic stability) indicates that this missense variant is expected to disrupt RYR1 protein function with a positive predictive value of 80%. Experimental studies have shown that this missense change affects RYR1 function (PMID: 12220451, 16084090, 27586648). For these reasons, this variant has been classified as Pathogenic.